The following is an entry in ClinVar:

ClinVar aggregate classification (germline): Uncertain significance (1 of 4 stars; one submission).

Conditions:
Candidiasis, familial, 9 (CANDF9). Identifiers: Orphanet 1334, MedGen C4225324, MONDO:0014642, OMIM 616445.

Allele frequency attached by ClinVar (database versions not stated): TOPMed below 0.00001; gnomAD exomes 0.00001.
gnomAD v4.1: 16 of 1,612,878 alleles (0.00099%); highest among the groups gnomAD compares: Non-Finnish European, 0.0014%; no homozygotes.

Submission:

Labcorp Genetics (formerly Invitae), Labcorp
Classification: Uncertain significance for Candidiasis, familial, 9. Last evaluated: 2022-03-19. Review status: criteria provided, single submitter. Criteria: Invitae Variant Classification Sherloc (09022015). Collection method: clinical testing. Allele origin: germline.
Comment: In summary, the available evidence is currently insufficient to determine the role of this variant in disease. Therefore, it has been classified as a Variant of Uncertain Significance. Algorithms developed to predict the effect of missense changes on protein structure and function output the following: SIFT: "Tolerated"; PolyPhen-2: "Benign"; Align-GVGD: "Class C0". The aspartic acid amino acid residue is found in multiple mammalian species, which suggests that this missense change does not adversely affect protein function. ClinVar contains an entry for this variant (Variation ID: 844209). This variant has not been reported in the literature in individuals affected with IL17RC-related conditions. This variant is not present in population databases (gnomAD no frequency). This sequence change replaces glutamic acid, which is acidic and polar, with aspartic acid, which is acidic and polar, at codon 750 of the IL17RC protein (p.Glu750Asp).

NM_153460.4(IL17RC):c.2037G>C (p.Glu679Asp)

Genes: IL17RC (interleukin 17 receptor C; plus strand), LOC129936144 (ATAC-STARR-seq lymphoblastoid silent region 14051; plus strand). Cytogenetic location: 3p25.3.
Variant type: single nucleotide variant.
Coding change: c.2037G>C on transcript NM_153460.4 (MANE Select); coding-DNA position 2037, G replaced by C.
Protein change: p.Glu679Asp; replaces glutamic acid 679 with aspartic acid.
Molecular consequence: missense variant. On other transcripts: non-coding transcript variant (1).
Genome position (GRCh38, 1-based): chr3:9,933,467, G>C. VCF-style: chr3-9933467-G-C. GRCh37 (hg19) VCF-style: chr3-9975151-G-C.
Other names: c.1998G>C, p.Glu666Asp (NM_001203263.2); c.1947G>C, p.Glu649Asp (NM_001203264.2); c.1941G>C, p.Glu647Asp (NM_001203265.2); c.1959G>C, p.Glu653Asp (NM_001367278.1); c.1878G>C, p.Glu626Asp (NM_001367279.1); c.1953G>C, p.Glu651Asp (NM_001367280.1); c.1992G>C, p.Glu664Asp (NM_032732.6); c.2250G>C, p.Glu750Asp (NM_153461.4); short protein forms E649D, E653D, E664D, E750D, E626D, E679D, E647D, E666D.
Identifiers: ClinVar variation 844209 (VCV000844209.7), dbSNP rs2084997441, ClinGen allele CA351709363.
Genomic context (GRCh38, chr3:9,933,467, plus strand): 5'-GCCAGACTTCCTGGGGGCCCTGCAGCAGCCTCGCGCCCCGCGTTCCGGGCGGCTCCAAGA[G>C]AGAGCGGAGCAAGTGTCCCGGGCCCTTCAGCCAGCCCTGGATAGCTACTTCCATCCCCCG-3'
Protein context (NP_703190.2, residues 669-689): PRAPRSGRLQ[Glu679Asp]RAEQVSRALQ